The following is an entry in ClinVar:

NM_000264.5(PTCH1):c.3697G>A (p.Gly1233Ser)

Gene: PTCH1 (patched 1; minus strand). Cytogenetic location: 9q22.32.
Variant type: single nucleotide variant.
Coding change: c.3697G>A on transcript NM_000264.5 (MANE Select); coding-DNA position 3697, G replaced by A.
Protein change: p.Gly1233Ser; replaces glycine 1233 with serine.
Molecular consequence: missense variant. On other transcripts: non-coding transcript variant (1).
Genome position (GRCh38, 1-based): chr9:95,449,176, C>T on the plus strand (G>A on the coding strand, the complement: PTCH1 is on the minus strand). VCF-style: chr9-95449176-C-T. GRCh37 (hg19) VCF-style: chr9-98211458-C-T.
Other names: c.3499G>A, p.Gly1167Ser (NM_001083602.3); c.3694G>A, p.Gly1232Ser (NM_001083603.3); c.3244G>A, p.Gly1082Ser (NM_001083604.3, NM_001083605.3, NM_001083606.3 and 1 more transcripts); c.3541G>A, p.Gly1181Ser (NM_001354918.2); short protein forms G1233S, G1232S, G1082S, G1181S, G1167S.
Identifiers: ClinVar variation 3311117 (VCV003311117.1).

ClinVar aggregate classification (germline): Uncertain significance (1 of 4 stars; one submission).

Conditions:
Hereditary cancer-predisposing syndrome. Also called: Neoplastic Syndromes, Hereditary; Tumor predisposition; Hereditary neoplastic syndrome; Hereditary Cancer Syndrome. Identifiers: Orphanet 140162, MedGen C0027672, MeSH D009386, MONDO:0015356.

Submission:

Ambry Genetics
Classification: Uncertain significance for Hereditary cancer-predisposing syndrome. Last evaluated: 2024-03-26. Review status: criteria provided, single submitter. Criteria: Ambry Variant Classification Scheme 2023. Collection method: clinical testing. Allele origin: germline.
Comment: The p.G1233S variant (also known as c.3697G>A), located in coding exon 22 of the PTCH1 gene, results from a G to A substitution at nucleotide position 3697. The glycine at codon 1233 is replaced by serine, an amino acid with similar properties. This amino acid position is highly conserved in available vertebrate species. In addition, this alteration is predicted to be deleterious by in silico analysis. Based on the available evidence, the clinical significance of this alteration remains unclear.